The following is an entry in ClinVar:

NM_000045.4(ARG1):c.157del (p.Leu53fs)

Genes: ARG1 (arginase 1; plus strand), MED23 (mediator complex subunit 23; minus strand). Cytogenetic location: 6q23.2.
Variant type: Deletion.
Coding change: c.157del on transcript NM_000045.4 (MANE Select); coding-DNA position 157, one base deleted (C; older notation c.157delC).
Protein change: p.Leu53fs; shifts the reading frame from leucine 53.
Molecular consequence: frameshift variant. On other transcripts: non-coding transcript variant (1), intron variant (2).
Genome position (GRCh38, 1-based): chr6:131,579,137, C deleted; the last of 2 consecutive C bases (chr6:131,579,136-131,579,137); deleting either gives the same sequence. VCF-style (leftmost placement, unchanged base first): chr6-131579135-AC-A. GRCh37 (hg19) VCF-style: chr6-131900275-AC-A.
Other names: c.181del, p.Leu61fs (NM_001244438.2); c.157del, p.Leu53fs (NM_001369020.1); c.4078-4841del (NM_001270521.2); c.4096-4841del (NM_015979.4); short protein forms L53fs, L61fs.
Identifiers: ClinVar variation 1999814 (VCV001999814.4), dbSNP rs2482351416, ClinGen allele CA2580075102.

ClinVar aggregate classification (germline): Pathogenic (1 of 4 stars; one submission).

Conditions:
Arginase deficiency. Also called: ARGININEMIA; ARG1 DEFICIENCY; Arginase 1 Deficiency. Identifiers: Orphanet 90, MedGen C0268548, MONDO:0008814, OMIM 207800.

Submission:

Labcorp Genetics (formerly Invitae), Labcorp
Classification: Pathogenic for Arginase deficiency. Last evaluated: 2022-05-28. Review status: criteria provided, single submitter. Criteria: Invitae Variant Classification Sherloc (09022015). Collection method: clinical testing. Allele origin: germline.
Comment: This sequence change creates a premature translational stop signal (p.Leu53Cysfs*15) in the ARG1 gene. It is expected to result in an absent or disrupted protein product. Loss-of-function variants in ARG1 are known to be pathogenic (PMID: 7649538, 12052859). This variant is not present in population databases (gnomAD no frequency). This variant has not been reported in the literature in individuals affected with ARG1-related conditions. For these reasons, this variant has been classified as Pathogenic.

Literature cited by the submitters: PubMed 7649538; PubMed 12052859.